The following is an entry in ClinVar:

NM_013275.6(ANKRD11):c.1119del (p.Glu374fs)

Gene: ANKRD11 (ankyrin repeat domain 11; minus strand). Cytogenetic location: 16q24.3.
Variant type: Deletion.
Coding change: c.1119del on transcript NM_013275.6 (MANE Select); coding-DNA position 1119, one base deleted (A; older notation c.1119delA).
Protein change: p.Glu374fs; shifts the reading frame from glutamic acid 374.
Molecular consequence: frameshift variant.
Genome position (GRCh38, 1-based): chr16:89,285,423, T deleted on the plus strand (A on the coding strand, the reverse complement: ANKRD11 is on the minus strand); the first of 4 consecutive T bases (chr16:89,285,423-89,285,426); deleting any one gives the same sequence. VCF-style (leftmost placement, unchanged base first): chr16-89285422-CT-C. GRCh37 (hg19) VCF-style: chr16-89351830-CT-C.
Other names: c.1119del, p.Glu374fs (NM_001256182.2, NM_001256183.2); short protein forms E374fs.
Identifiers: ClinVar variation 1709607 (VCV001709607.2), dbSNP rs2544246198, ClinGen allele CA2580092271.
Genomic context (GRCh38, chr16:89,285,422, plus strand): 5'-TTTTAGTGTAACTTTTAACCTCCATTTTGGGTATAGAGATAAAACTATTGGATTTCGTTT[CT>C]TTTCTGTAGTCCTTTTTCAATAGGTGCTTGTCGTCCACCGGAGGAACCCTGTCCTGCTCG-3'

ClinVar aggregate classification (germline): Likely pathogenic (1 of 4 stars; one submission).

Conditions:
KBG syndrome (KBGS). Also called: ANKRD11-Related KBG Syndrome. Identifiers: Orphanet 2332, MedGen C0220687, MONDO:0007846, OMIM 148050.

Submission:

MGZ Medical Genetics Center
Classification: Likely pathogenic for KBG syndrome. Last evaluated: 2022-08-18. Review status: criteria provided, single submitter. Criteria: ACMG Guidelines, 2015. Collection method: clinical testing. Allele origin: germline. Affected: yes. Observed: 1 variant allele.
Comment: ACMG criteria applied: PVS1, PM2_SUP